The following is an entry in ClinVar:

ClinVar aggregate classification (germline): Uncertain significance (1 of 4 stars; one submission).

Conditions:
Immunodeficiency 39 (IMD39). Identifiers: Orphanet 574918, MedGen C4225358, MONDO:0014597, OMIM 616345.

Allele frequency attached by ClinVar (database versions not stated): gnomAD exomes 0.00002; ExAC 0.00004.
gnomAD v4.1: 11 of 1,613,076 alleles (0.00068%); highest among the groups gnomAD compares: South Asian, 0.0033%; no homozygotes.

Submission:

Labcorp Genetics (formerly Invitae), Labcorp
Classification: Uncertain significance for Immunodeficiency 39. Last evaluated: 2025-12-08. Review status: criteria provided, single submitter. Criteria: Invitae Variant Classification Sherloc (09022015). Collection method: clinical testing. Allele origin: germline.
Comment: This sequence change replaces glycine, which is neutral and non-polar, with glutamic acid, which is acidic and polar, at codon 225 of the IRF7 protein (p.Gly225Glu). This variant is present in population databases (rs760352446, gnomAD 0.004%). This variant has not been reported in the literature in individuals affected with IRF7-related conditions. ClinVar contains an entry for this variant (Variation ID: 1043218). Invitae Evidence Modeling of protein sequence and biophysical properties (such as structural, functional, and spatial information, amino acid conservation, physicochemical variation, residue mobility, and thermodynamic stability) indicates that this missense variant is not expected to disrupt IRF7 protein function with a negative predictive value of 80%. In summary, the available evidence is currently insufficient to determine the role of this variant in disease. Therefore, it has been classified as a Variant of Uncertain Significance.

NM_001572.5(IRF7):c.635G>A (p.Gly212Glu)

Gene: IRF7 (interferon regulatory factor 7; minus strand). Cytogenetic location: 11p15.5.
Variant type: single nucleotide variant.
Coding change: c.635G>A on transcript NM_001572.5 (MANE Select); coding-DNA position 635, G replaced by A.
Protein change: p.Gly212Glu; replaces glycine 212 with glutamic acid.
Molecular consequence: missense variant.
Genome position (GRCh38, 1-based): chr11:614,218, C>T on the plus strand (G>A on the coding strand, the complement: IRF7 is on the minus strand). VCF-style: chr11-614218-C-T. GRCh37 (hg19) VCF-style: chr11-614218-C-T.
Other names: c.635G>A, p.Gly212Glu (NM_004029.4); c.674G>A, p.Gly225Glu (NM_004031.4); short protein forms G212E, G225E.
Identifiers: ClinVar variation 1043218 (VCV001043218.8), dbSNP rs760352446, ClinGen allele CA5783883.
Genomic context (GRCh38, chr11:614,218, plus strand): 5'-CCGGGCACGCCCACACCTCCAGCACAGGCCCCAGTCAGGGGAAGCCCTTCTTGTCCCTCT[C>T]CAGGAGCCTTGGTTGGGACTGGATCTGCCCCCCATGACGCTGTCAGCAGATGGTCTGCCA-3'
Protein context (NP_001563.2, residues 202-222): GADPVPTKAP[Gly212Glu]EGQEGLPLTG